The following is an entry in ClinVar:

NM_005911.6(MAT2A):c.-48C>T

Genes: MAT2A (methionine adenosyltransferase 2A; plus strand), LOC129934215 (ATAC-STARR-seq lymphoblastoid silent region 11701; plus strand). Cytogenetic location: 2p11.2.
Variant type: single nucleotide variant.
Coding change: c.-48C>T on transcript NM_005911.6 (MANE Select); 48 bases upstream of the start codon, C replaced by T.
Molecular consequence: 5 prime UTR variant.
Genome position (GRCh38, 1-based): chr2:85,539,240, C>T. VCF-style: chr2-85539240-C-T. GRCh37 (hg19) VCF-style: chr2-85766363-C-T.
Identifiers: ClinVar variation 391886 (VCV000391886.1), dbSNP rs1057524274, ClinGen allele CA16604712.

ClinVar aggregate classification (germline): Likely benign (1 of 4 stars; one submission).

Allele frequency attached by ClinVar (database versions not stated): gnomAD exomes below 0.00001.
gnomAD v4.1: 1 of 1,382,668 alleles (0.000072%); highest among the groups gnomAD compares: Middle Eastern, 0.018%; no homozygotes.

Submission:

GeneDx
Classification: Likely benign. Last evaluated: 2016-12-27. Review status: criteria provided, single submitter. Criteria: GeneDx Variant Classification (06012015). Collection method: clinical testing. Allele origin: germline. Affected: yes.
Comment: This variant is considered likely benign or benign based on one or more of the following criteria: it is a conservative change, it occurs at a poorly conserved position in the protein, it is predicted to be benign by multiple in silico algorithms, and/or has population frequency not consistent with disease.